The following is an entry in ClinVar:

NM_000426.4(LAMA2):c.7069T>C (p.Trp2357Arg)

Gene: LAMA2 (laminin subunit alpha 2; plus strand). Cytogenetic location: 6q22.33.
Variant type: single nucleotide variant.
Coding change: c.7069T>C on transcript NM_000426.4 (MANE Select); coding-DNA position 7069, T replaced by C.
Protein change: p.Trp2357Arg; replaces tryptophan 2357 with arginine.
Molecular consequence: missense variant.
Genome position (GRCh38, 1-based): chr6:129,464,366, T>C. VCF-style: chr6-129464366-T-C. GRCh37 (hg19) VCF-style: chr6-129785511-T-C.
Other names: c.7069T>C, p.Trp2357Arg (NM_001079823.2); short protein forms W2357R.
Identifiers: ClinVar variation 1987079 (VCV001987079.1), dbSNP rs566627612, ClinGen allele CA3994432.

ClinVar aggregate classification (germline): Uncertain significance (1 of 4 stars; one submission).

Conditions:
LAMA2-related muscular dystrophy (LAMA2-RD). Also called: Laminin alpha 2-related dystrophy. Identifiers: MedGen C5679788, MONDO:0100228.

Allele frequency attached by ClinVar (database versions not stated): ExAC 0.00001; gnomAD 0.00001; 1000 Genomes Project 30x 0.00016; 1000 Genomes Project 0.00020.
gnomAD v4.1: 3 of 1,611,966 alleles (0.00019%); highest among the groups gnomAD compares: Admixed American, 0.0017%; no homozygotes.

Submission:

Labcorp Genetics (formerly Invitae), Labcorp
Classification: Uncertain significance for LAMA2-related muscular dystrophy. Last evaluated: 2022-06-08. Review status: criteria provided, single submitter. Criteria: Invitae Variant Classification Sherloc (09022015). Collection method: clinical testing. Allele origin: germline.
Comment: This sequence change replaces tryptophan, which is neutral and slightly polar, with arginine, which is basic and polar, at codon 2357 of the LAMA2 protein (p.Trp2357Arg). This variant is present in population databases (rs566627612, gnomAD 0.0009%). This variant has not been reported in the literature in individuals affected with LAMA2-related conditions. Algorithms developed to predict the effect of missense changes on protein structure and function are either unavailable or do not agree on the potential impact of this missense change (SIFT: "Tolerated"; PolyPhen-2: "Probably Damaging"; Align-GVGD: "Class C0"). In summary, the available evidence is currently insufficient to determine the role of this variant in disease. Therefore, it has been classified as a Variant of Uncertain Significance.